The following is an entry in ClinVar:

ClinVar aggregate classification (germline): Uncertain significance. Review status: criteria provided, multiple submitters, no conflicts (2 of 4 stars). 3 submissions from 3 submitters: Uncertain significance (3). Last evaluated 2025-07-17.

Conditions:
Primary dilated cardiomyopathy (DCM). Also called: Dilated Cardiomyopathy. Identifiers: Orphanet 217604, MedGen C0007193, MeSH D002311, MONDO:0005021, HP:0001644. Inheritance: Various modes of inheritance.

gnomAD v4.1: 1 of 1,614,116 alleles (0.000062%); highest among the groups gnomAD compares: Non-Finnish European, 0.000085%; no homozygotes.

Submissions (3):

Women's Health and Genetics/Laboratory Corporation of America, LabCorp
Classification: Uncertain significance. Last evaluated: 2025-07-17. Review status: criteria provided, single submitter. Criteria: LabCorp Variant Classification Summary - May 2015. Collection method: clinical testing. Allele origin: germline.

Ambry Genetics
Classification: Uncertain significance. Last evaluated: 2024-09-11. Review status: criteria provided, single submitter. Criteria: Ambry Variant Classification Scheme 2023. Collection method: clinical testing. Allele origin: germline.
Comment: The p.H130R variant (also known as c.389A>G), located in coding exon 5 of the NEBL gene, results from an A to G substitution at nucleotide position 389. The histidine at codon 130 is replaced by arginine, an amino acid with highly similar properties. This amino acid position is conserved. In addition, this alteration is predicted to be tolerated by in silico analysis. Based on the available evidence, the clinical significance of this variant remains unclear.

Labcorp Genetics (formerly Invitae), Labcorp
Classification: Uncertain significance for Primary dilated cardiomyopathy. Last evaluated: 2024-05-26. Review status: criteria provided, single submitter. Criteria: Invitae Variant Classification Sherloc (09022015). Collection method: clinical testing. Allele origin: germline.
Comment: This sequence change replaces histidine, which is basic and polar, with arginine, which is basic and polar, at codon 130 of the NEBL protein (p.His130Arg). This variant is not present in population databases (gnomAD no frequency). This variant has not been reported in the literature in individuals affected with NEBL-related conditions. An algorithm developed to predict the effect of missense changes on protein structure and function (PolyPhen-2) suggests that this variant is likely to be disruptive. In summary, the available evidence is currently insufficient to determine the role of this variant in disease. Therefore, it has been classified as a Variant of Uncertain Significance.

NM_006393.3(NEBL):c.389A>G (p.His130Arg)

Gene: NEBL (nebulette; minus strand). Cytogenetic location: 10p12.31.
Variant type: single nucleotide variant.
Coding change: c.389A>G on transcript NM_006393.3 (MANE Select); coding-DNA position 389, A replaced by G.
Protein change: p.His130Arg; replaces histidine 130 with arginine.
Molecular consequence: missense variant. On other transcripts: intron variant (9).
Genome position (GRCh38, 1-based): chr10:20,880,885, T>C on the plus strand (A>G on the coding strand, the complement: NEBL is on the minus strand). VCF-style: chr10-20880885-T-C. GRCh37 (hg19) VCF-style: chr10-21169814-T-C.
Other names: c.250-67945A>G (NM_001377326.1, NM_001377327.1, NM_001377328.1); c.358-67945A>G (NM_213569.2, NM_001173484.2, NM_001377322.1); c.301-67945A>G (NM_001377324.1); c.292-67945A>G (NM_001377325.1); c.310-67945A>G (NM_001377323.1); short protein forms H130R.
Identifiers: ClinVar variation 3404003 (VCV003404003.4).
Genomic context (GRCh38, chr10:20,880,885, plus strand): 5'-TGTTTAACCTCAGGGGGCTCCTTCATGTGGGCATAATCTGAGAATCCTTTGGCAGCATCA[T>C]GTTTCTGCTTGTAGGCCACCTGAAAAACACAAATAATTTTTAGTCCCATTTAGAGGCATA-3'
Protein context (NP_006384.1, residues 120-140): LQSEVAYKQK[His130Arg]DAAKGFSDYA